The following is an entry in ClinVar:

NM_000393.5(COL5A2):c.724C>T (p.Pro242Ser)

Gene: COL5A2 (collagen type V alpha 2 chain; minus strand). Cytogenetic location: 2q32.2.
Variant type: single nucleotide variant.
Coding change: c.724C>T on transcript NM_000393.5 (MANE Select); coding-DNA position 724, C replaced by T.
Protein change: p.Pro242Ser; replaces proline 242 with serine.
Molecular consequence: missense variant.
Genome position (GRCh38, 1-based): chr2:189,085,739, G>A on the plus strand (C>T on the coding strand, the complement: COL5A2 is on the minus strand). VCF-style: chr2-189085739-G-A. GRCh37 (hg19) VCF-style: chr2-189950465-G-A.
Other names: short protein forms P242S.
Identifiers: ClinVar variation 1481326 (VCV001481326.8), dbSNP rs2105650411, ClinGen allele CA349858594.
Genomic context (GRCh38, chr2:189,085,739, plus strand): 5'-CCCAAATGTAACTGGGTCTACATGCTTACTTGACATTTACCATTGGTCCAGGATCACCAG[G>A]TTCACCAGGAGGTCCTGTAGGTCCTGCACCACCCTACAGTTGAAAACAAAGTATATATAC-3'
Protein context (NP_000384.2, residues 232-252): GAGPTGPPGE[Pro242Ser]GDPGPMGPIG

ClinVar aggregate classification (germline): Uncertain significance (1 of 4 stars; one submission).

Conditions:
Ehlers-Danlos syndrome, classic type, 1 (EDSCL1). Also called: EHLERS-DANLOS SYNDROME, GRAVIS TYPE; EHLERS-DANLOS SYNDROME, SEVERE CLASSIC TYPE; Ehlers-Danlos syndrome, type 1; Ehlers-Danlos Syndrome, Classic Type, COL5A1-Related; EDS I. Identifiers: MedGen C0268335, MONDO:0019567, OMIM 130000.

Submission:

Labcorp Genetics (formerly Invitae), Labcorp
Classification: Uncertain significance for Ehlers-Danlos syndrome, classic type, 1. Last evaluated: 2021-03-10. Review status: criteria provided, single submitter. Criteria: Invitae Variant Classification Sherloc (09022015). Collection method: clinical testing. Allele origin: germline.
Comment: Advanced modeling of protein sequence and biophysical properties (such as structural, functional, and spatial information, amino acid conservation, physicochemical variation, residue mobility, and thermodynamic stability) performed at Invitae indicates that this missense variant is not expected to disrupt COL5A2 protein function. This sequence change replaces proline with serine at codon 242 of the COL5A2 protein (p.Pro242Ser). The proline residue is highly conserved and there is a moderate physicochemical difference between proline and serine. This variant is not present in population databases (ExAC no frequency). This variant has not been reported in the literature in individuals with COL5A2-related conditions. In summary, the available evidence is currently insufficient to determine the role of this variant in disease. Therefore, it has been classified as a Variant of Uncertain Significance.